The following is an entry in ClinVar:

NM_014915.3(ANKRD26):c.1817G>A (p.Ser606Asn)

Gene: ANKRD26 (ankyrin repeat domain 26; minus strand). Cytogenetic location: 10p12.1.
Variant type: single nucleotide variant.
Coding change: c.1817G>A on transcript NM_014915.3 (MANE Select); coding-DNA position 1817, G replaced by A.
Protein change: p.Ser606Asn; replaces serine 606 with asparagine.
Molecular consequence: missense variant. On other transcripts: splice acceptor variant (1).
Genome position (GRCh38, 1-based): chr10:27,046,521, C>T on the plus strand (G>A on the coding strand, the complement: ANKRD26 is on the minus strand). VCF-style: chr10-27046521-C-T. GRCh37 (hg19) VCF-style: chr10-27335450-C-T.
Other names: c.1815-1G>A (NM_001256053.2); short protein forms S606N.
Identifiers: ClinVar variation 2784982 (VCV002784982.4), dbSNP rs775584015, ClinGen allele CA5448391.

ClinVar aggregate classification (germline): Uncertain significance. Review status: criteria provided, multiple submitters, no conflicts (2 of 4 stars). 2 submissions from 2 submitters: Uncertain significance (2). Last evaluated 2025-03-06.

Conditions:
Inborn genetic diseases. Identifiers: MedGen C0950123, MeSH D030342.

Allele frequency attached by ClinVar (database versions not stated): ExAC 0.00001; gnomAD 0.00001; TOPMed 0.00001.
gnomAD v4.1: 3 of 1,612,306 alleles (0.00019%); highest among the groups gnomAD compares: African/African-American, 0.0027%; no homozygotes.

Submissions (2):

Ambry Genetics
Classification: Uncertain significance for Inborn genetic diseases. Last evaluated: 2025-03-06. Review status: criteria provided, single submitter. Criteria: Ambry Variant Classification Scheme 2023. Collection method: clinical testing. Allele origin: germline.
Comment: The p.S606N variant (also known as c.1817G>A), located in coding exon 18 of the ANKRD26 gene, results from a G to A substitution at nucleotide position 1817. The serine at codon 606 is replaced by asparagine, an amino acid with highly similar properties. This amino acid position is conserved. In addition, this alteration is predicted to be tolerated by in silico analysis. Based on the available evidence, the clinical significance of this variant remains unclear.

Labcorp Genetics (formerly Invitae), Labcorp
Classification: Uncertain significance. Last evaluated: 2023-09-08. Review status: criteria provided, single submitter. Criteria: Invitae Variant Classification Sherloc (09022015). Collection method: clinical testing. Allele origin: germline.
Comment: In summary, the available evidence is currently insufficient to determine the role of this variant in disease. Therefore, it has been classified as a Variant of Uncertain Significance. Algorithms developed to predict the effect of sequence changes on RNA splicing suggest that this variant may disrupt the consensus splice site. Algorithms developed to predict the effect of missense changes on protein structure and function output the following: SIFT: "Not Available"; PolyPhen-2: "Benign"; Align-GVGD: "Not Available". The asparagine amino acid residue is found in multiple mammalian species, which suggests that this missense change does not adversely affect protein function. This variant has not been reported in the literature in individuals affected with ANKRD26-related conditions. This variant is present in population databases (rs775584015, gnomAD 0.007%). This sequence change replaces serine, which is neutral and polar, with asparagine, which is neutral and polar, at codon 606 of the ANKRD26 protein (p.Ser606Asn).